The following is an entry in ClinVar:

ClinVar aggregate classification (germline): Uncertain significance (1 of 4 stars; one submission).

Submission:

Labcorp Genetics (formerly Invitae), Labcorp
Classification: Uncertain significance. Last evaluated: 2022-03-18. Review status: criteria provided, single submitter. Criteria: Invitae Variant Classification Sherloc (09022015). Collection method: clinical testing. Allele origin: germline.
Comment: This sequence change replaces isoleucine, which is neutral and non-polar, with valine, which is neutral and non-polar, at codon 1418 of the COL7A1 protein (p.Ile1418Val). This variant is not present in population databases (gnomAD no frequency). This variant has not been reported in the literature in individuals affected with COL7A1-related conditions. Advanced modeling of protein sequence and biophysical properties (such as structural, functional, and spatial information, amino acid conservation, physicochemical variation, residue mobility, and thermodynamic stability) performed at Invitae indicates that this missense variant is not expected to disrupt COL7A1 protein function. In summary, the available evidence is currently insufficient to determine the role of this variant in disease. Therefore, it has been classified as a Variant of Uncertain Significance.

NM_000094.4(COL7A1):c.4252A>G (p.Ile1418Val)

Gene: COL7A1 (collagen type VII alpha 1 chain; minus strand). Cytogenetic location: 3p21.31.
Variant type: single nucleotide variant.
Coding change: c.4252A>G on transcript NM_000094.4 (MANE Select); coding-DNA position 4252, A replaced by G.
Protein change: p.Ile1418Val; replaces isoleucine 1418 with valine.
Molecular consequence: missense variant.
Genome position (GRCh38, 1-based): chr3:48,583,926, T>C on the plus strand (A>G on the coding strand, the complement: COL7A1 is on the minus strand). VCF-style: chr3-48583926-T-C. GRCh37 (hg19) VCF-style: chr3-48621359-T-C.
Other names: short protein forms I1418V.
Identifiers: ClinVar variation 2174657 (VCV002174657.4), dbSNP rs1023025728, ClinGen allele CA73981293.